The following is an entry in ClinVar:

NM_172369.5(C1QC):c.8T>C (p.Val3Ala)

Gene: C1QC (complement C1q C chain; plus strand). Cytogenetic location: 1p36.12.
Variant type: single nucleotide variant.
Coding change: c.8T>C on transcript NM_172369.5 (MANE Select); coding-DNA position 8, T replaced by C.
Protein change: p.Val3Ala; replaces valine 3 with alanine.
Molecular consequence: missense variant. On other transcripts: intron variant (1).
Genome position (GRCh38, 1-based): chr1:22,644,031, T>C. VCF-style: chr1-22644031-T-C. GRCh37 (hg19) VCF-style: chr1-22970524-T-C.
Other names: c.8T>C, p.Val3Ala (NM_001114101.3, NM_001347619.2); c.-87+317T>C (NM_001347620.2); short protein forms V3A.
Identifiers: ClinVar variation 1164154 (VCV001164154.34), dbSNP rs367838299, ClinGen allele CA677873.

ClinVar aggregate classification (germline): Conflicting classifications of pathogenicity. Review status: criteria provided, conflicting classifications (1 of 4 stars). 3 submissions from 3 submitters: Uncertain significance (1); Benign (1); Likely benign (1). Last evaluated 2026-01-24.

Conditions:
C1Q deficiency. Identifiers: MedGen C3150902, MONDO:0013343.

Allele frequency attached by ClinVar (database versions not stated): gnomAD 0.00006 and 0.00024; ESP Exome Variant Server 0.00008; TOPMed 0.00015; gnomAD exomes 0.00050 and 0.00111; ExAC 0.00176; 1000 Genomes Project 30x 0.00203; 1000 Genomes Project 0.00220.
gnomAD v4.1: 763 of 1,590,898 alleles (0.048%); highest among the groups gnomAD compares: South Asian, 0.75%; 10 homozygotes.

Submissions (3):

Labcorp Genetics (formerly Invitae), Labcorp
Classification: Benign. Last evaluated: 2026-01-24. Review status: criteria provided, single submitter. Criteria: Invitae Variant Classification Sherloc (09022015). Collection method: clinical testing. Allele origin: germline.

CeGaT Center for Human Genetics Tuebingen
Classification: Likely benign. Last evaluated: 2022-12-01. Review status: criteria provided, single submitter. Criteria: CeGaT Center For Human Genetics Tuebingen Variant Classification Criteria Version 2. Collection method: clinical testing. Allele origin: germline. Affected: yes. Observed: 1 variant allele.
Comment: C1QC: BP4

Center for Genomics, Ann and Robert H. Lurie Children's Hospital of Chicago
Classification: Uncertain significance for C1Q deficiency 1. Last evaluated: 2022-01-27. Review status: criteria provided, single submitter. Criteria: ACMG Guidelines, 2015. Collection method: clinical testing. Allele origin: germline.
Comment: C1QC NM_172369.4 exon 2 p.Val3Ala (c.8T>C): This variant has been reported in the literature in at least 1 individual with very early onset inflammatory bowel disease (VEO-IBD) (Kelsen 2015 PMID:26193622). This variant is present in 0.8% (218/25750) of South Asian alleles including 1 homozygote in the Genome Aggregation Database. This variant is present in ClinVar (Variation ID:1164154). Evolutionary conservation and computational predictive tools suggest that this variant may not impact the protein. In summary, data on this variant is insufficient for disease classification. Therefore, the clinical significance of this variant is uncertain.